The following is an entry in ClinVar:

NM_031483.7(ITCH):c.350T>C (p.Val117Ala)

Gene: ITCH (itchy E3 ubiquitin protein ligase; plus strand). Cytogenetic location: 20q11.22.
Variant type: single nucleotide variant.
Coding change: c.350T>C on transcript NM_031483.7 (MANE Select); coding-DNA position 350, T replaced by C.
Protein change: p.Val117Ala; replaces valine 117 with alanine.
Molecular consequence: missense variant.
Genome position (GRCh38, 1-based): chr20:34,413,754, T>C. VCF-style: chr20-34413754-T-C. GRCh37 (hg19) VCF-style: chr20-33001560-T-C.
Other names: c.350T>C, p.Val117Ala (NM_001257137.3, NM_001324197.2, NM_001324198.2); c.20T>C, p.Val7Ala (NM_001257138.3); short protein forms V117A, V7A.
Identifiers: ClinVar variation 663270 (VCV000663270.7), dbSNP rs1601841346, ClinGen allele CA408661815.

ClinVar aggregate classification (germline): Uncertain significance (1 of 4 stars; one submission).

Conditions:
Syndromic multisystem autoimmune disease due to ITCH deficiency. Also called: AUTOIMMUNE DISEASE, MULTISYSTEM, WITH FACIAL DYSMORPHISM. Identifiers: Orphanet 228426, MedGen C3150649, MONDO:0013245, OMIM 613385.

Allele frequency attached by ClinVar (database versions not stated): gnomAD exomes below 0.00001.
gnomAD v4.1: 1 of 1,609,954 alleles (0.000062%); highest among the groups gnomAD compares: Non-Finnish European, 0.000085%; no homozygotes.

Submission:

Labcorp Genetics (formerly Invitae), Labcorp
Classification: Uncertain significance for Syndromic multisystem autoimmune disease due to ITCH deficiency. Last evaluated: 2020-03-05. Review status: criteria provided, single submitter. Criteria: Invitae Variant Classification Sherloc (09022015). Collection method: clinical testing. Allele origin: germline.
Comment: This sequence change replaces valine with alanine at codon 117 of the ITCH protein (p.Val117Ala). The valine residue is moderately conserved and there is a small physicochemical difference between valine and alanine. In summary, the available evidence is currently insufficient to determine the role of this variant in disease. Therefore, it has been classified as a Variant of Uncertain Significance. Algorithms developed to predict the effect of missense changes on protein structure and function (SIFT, PolyPhen-2, Align-GVGD) all suggest that this variant is likely to be tolerated, but these predictions have not been confirmed by published functional studies and their clinical significance is uncertain. This variant has not been reported in the literature in individuals with ITCH-related disease. This variant is not present in population databases (ExAC no frequency).